The following is an entry in ClinVar:

ClinVar aggregate classification (germline): Pathogenic/Likely pathogenic. Review status: criteria provided, multiple submitters, no conflicts (2 of 4 stars). 4 submissions from 4 submitters: Pathogenic (2); Likely pathogenic (2). Last evaluated 2023-10-31.

Conditions:
Bardet-Biedl syndrome 8 (BBS8). Identifiers: Orphanet 110, MedGen C1859566, MONDO:0014436, OMIM 615985.
Retinitis pigmentosa 51 (RP51). Identifiers: Orphanet 791, MedGen C3150715, MONDO:0013274, OMIM 613464.
Bardet-Biedl syndrome (BBS). Identifiers: Orphanet 110, MedGen C0752166, MONDO:0015229.

Allele frequency attached by ClinVar (database versions not stated): gnomAD exomes below 0.00001 and 0.00001; TOPMed 0.00001; ESP Exome Variant Server 0.00008.
gnomAD v4.1: 12 of 1,613,506 alleles (0.00074%); highest among the groups gnomAD compares: Non-Finnish European, 0.001%; no homozygotes.

Submissions (4):

Baylor Genetics
Classification: Likely pathogenic for Retinitis pigmentosa 51. Last evaluated: 2023-10-31. Review status: criteria provided, single submitter. Criteria: ACMG Guidelines, 2015. Collection method: clinical testing. Allele origin: unknown.

Medical Genetics Center, Maternal and Child Health Hospital of Hubei Province
Classification: Pathogenic for Bardet-Biedl syndrome 8. Last evaluated: 2022-09-07. Review status: criteria provided, single submitter. Criteria: ACMG Guidelines, 2015. Collection method: clinical testing. Allele origin: maternal. Affected: yes.

Labcorp Genetics (formerly Invitae), Labcorp
Classification: Pathogenic for Bardet-Biedl syndrome. Last evaluated: 2022-03-26. Review status: criteria provided, single submitter. Criteria: Invitae Variant Classification Sherloc (09022015). Collection method: clinical testing. Allele origin: germline.
Comment: For these reasons, this variant has been classified as Pathogenic. This sequence change creates a premature translational stop signal (p.Gln177*) in the TTC8 gene. It is expected to result in an absent or disrupted protein product. Loss-of-function variants in TTC8 are known to be pathogenic (PMID: 16308660, 16877420, 19797195, 21052717, 30886724). This variant is present in population databases (rs376035653, gnomAD 0.0009%). This variant has not been reported in the literature in individuals affected with TTC8-related conditions. ClinVar contains an entry for this variant (Variation ID: 997900).

Women's Health and Genetics/Laboratory Corporation of America, LabCorp
Classification: Likely pathogenic for Bardet-Biedl syndrome. Last evaluated: 2021-02-09. Review status: criteria provided, single submitter. Criteria: LabCorp Variant Classification Summary - May 2015. Collection method: clinical testing. Allele origin: germline.
Comment: Variant summary: TTC8 c.529C>T (p.Gln177X) results in a premature termination codon, predicted to cause a truncation of the encoded protein or absence of the protein due to nonsense mediated decay, which are commonly known mechanisms for disease. The variant allele was found at a frequency of 4e-06 in 250434 control chromosomes (gnomAD). To our knowledge, no occurrence of c.529C>T in individuals affected with Bardet-Biedl Syndrome and no experimental evidence demonstrating its impact on protein function have been reported. No clinical diagnostic laboratories have submitted clinical-significance assessments for this variant to ClinVar after 2014. Based on the evidence outlined above, the variant was classified as likely pathogenic.

Literature cited by the submitters: PubMed 16308660 (cited by Labcorp Genetics (formerly Invitae), Labcorp); PubMed 16877420 (cited by Labcorp Genetics (formerly Invitae), Labcorp); PubMed 19797195 (cited by Labcorp Genetics (formerly Invitae), Labcorp); PubMed 21052717 (cited by Labcorp Genetics (formerly Invitae), Labcorp); PubMed 30886724 (cited by Labcorp Genetics (formerly Invitae), Labcorp).

NM_144596.4(TTC8):c.559C>T (p.Gln187Ter)

Gene: TTC8 (tetratricopeptide repeat domain 8; plus strand). Cytogenetic location: 14q31.3.
Variant type: single nucleotide variant.
Coding change: c.559C>T on transcript NM_144596.4 (MANE Select); coding-DNA position 559, C replaced by T.
Protein change: p.Gln187Ter; replaces glutamine 187 with a stop codon.
Molecular consequence: nonsense. On other transcripts: 5 prime UTR variant (1), non-coding transcript variant (1), intron variant (3).
Genome position (GRCh38, 1-based): chr14:88,841,494, C>T. VCF-style: chr14-88841494-C-T. GRCh37 (hg19) VCF-style: chr14-89307838-C-T.
Other names: c.529C>T, p.Gln177Ter (NM_001288781.1, NM_001366535.2, NM_198309.3); c.-34C>T (NM_001288782.1); c.-199+298C>T (NM_001288783.1); c.459+298C>T (NM_198310.3, NM_001366536.2); c.559C>T (NM_144596.3); short protein forms Q177*, Q187*.
Identifiers: ClinVar variation 997900 (VCV000997900.8), dbSNP rs376035653, ClinGen allele CA264584207.